The following is an entry in ClinVar:

NM_004082.5(DCTN1):c.34A>G (p.Thr12Ala)

Gene: DCTN1 (dynactin subunit 1; minus strand). Cytogenetic location: 2p13.1.
Variant type: single nucleotide variant.
Coding change: c.34A>G on transcript NM_004082.5 (MANE Select); coding-DNA position 34, A replaced by G.
Protein change: p.Thr12Ala; replaces threonine 12 with alanine.
Molecular consequence: missense variant. On other transcripts: 5 prime UTR variant (3), non-coding transcript variant (1).
Genome position (GRCh38, 1-based): chr2:74,378,245, T>C on the plus strand (A>G on the coding strand, the complement: DCTN1 is on the minus strand). VCF-style: chr2-74378245-T-C. GRCh37 (hg19) VCF-style: chr2-74605372-T-C.
Other names: c.34A>G, p.Thr12Ala (NM_001135040.3, NM_001190837.2); c.-18A>G (NM_001190836.2, NM_001378991.1, NM_001378992.1); short protein forms T12A.
Identifiers: ClinVar variation 3766954 (VCV003766954.1).
Genomic context (GRCh38, chr2:74,378,245, plus strand): 5'-GGGAGCCCACCCGCAGAGGCCGGGCGCTTGCCTCCGCACTCATCCTGCTGCCGCTGGGCG[T>C]CTGAAAGACACAGGTAAACACAGACAGTTAGAGGCCTCAGATCAAAGGTGGCATTCTTAT-3'
Protein context (NP_004073.2, residues 2-22): AQSKRHVYSR[Thr12Ala]PSGSRMSAEA

ClinVar aggregate classification (germline): Uncertain significance (1 of 4 stars; one submission).

gnomAD v4.1: 21 of 1,606,350 alleles (0.0013%); highest among the groups gnomAD compares: Non-Finnish European, 0.0017%; no homozygotes.

Submission:

ARUP Laboratories, Molecular Genetics and Genomics, ARUP Laboratories
Classification: Uncertain significance. Last evaluated: 2024-11-04. Review status: criteria provided, single submitter. Criteria: ARUP Molecular Germline Variant Investigation Process 2024. Collection method: clinical testing. Allele origin: germline.
Comment: The DCTN1 c.34A>G; p.Thr12Ala variant (rs1175904687), to our knowledge, is not reported in the medical literature or gene specific databases. This variant is only observed on one allele in the Genome Aggregation Database (v2.1.1), indicating it is not a common polymorphism. Computational analyses are uncertain whether this variant is neutral or deleterious (REVEL: 0.218). Due to limited information, the clinical significance of this variant is uncertain at this time.